The following is an entry in ClinVar:

NM_017780.4(CHD7):c.1862del (p.Pro621fs)

Genes: CHD7 (chromodomain helicase DNA binding protein 7; plus strand), LOC126860403 (CDK7 strongly-dependent group 2 enhancer GRCh37_chr8:61693034-61694233; plus strand). Cytogenetic location: 8q12.2.
Variant type: Deletion.
Coding change: c.1862del on transcript NM_017780.4 (MANE Select); coding-DNA position 1862, one base deleted (C; older notation c.1862delC).
Protein change: p.Pro621fs; shifts the reading frame from proline 621.
Molecular consequence: frameshift variant. On other transcripts: intron variant (1).
Genome position (GRCh38, 1-based): chr8:60,781,196, C deleted; the last of 3 consecutive C bases (chr8:60,781,194-60,781,196); deleting any one gives the same sequence. VCF-style (leftmost placement, unchanged base first): chr8-60781193-TC-T. GRCh37 (hg19) VCF-style: chr8-61693752-TC-T.
Other names: c.1716+146del (NM_001316690.1); short protein forms P621fs.
Identifiers: ClinVar variation 5001014 (VCV005001014.1).
Genomic context (GRCh38, chr8:60,781,193, plus strand): 5'-AAAAGAAAAACAACCACATTGTAGCAGAGGATCCCAGTAAAGGTTTTGGTAAAGATGACT[TC>T]CCTGGTGGGGTAGATAACCAAGAACTAAATAGGAACTCACTGGATGGGTCCCAAGAAGAA-3'

ClinVar aggregate classification (germline): Likely pathogenic (1 of 4 stars; one submission).

Conditions:
CHD7-related disorder. Also called: CHD7-related condition.

Submission:

PreventionGenetics, part of Exact Sciences
Classification: Likely pathogenic for CHD7-related condition. Last evaluated: 2025-05-28. Review status: criteria provided, single submitter. Criteria: ACMG Guidelines, 2015. Collection method: clinical testing. Allele origin: germline.
Comment: The CHD7 c.1862delC variant is predicted to result in a frameshift and premature protein termination (p.Pro621Leufs*4). To our knowledge, this variant has not been reported in the literature or in a large population database (gnomAD), indicating this variant is rare. Frameshift variants in CHD7 are expected to be pathogenic. This variant is interpreted as likely pathogenic.